The following is an entry in ClinVar:

ClinVar aggregate classification (germline): Conflicting classifications of pathogenicity. Review status: criteria provided, conflicting classifications (1 of 4 stars). 3 submissions from 3 submitters: Uncertain significance (1); Likely benign (2). Last evaluated 2024-11-05.

Conditions:
Inborn genetic diseases. Identifiers: MedGen C0950123, MeSH D030342.

Allele frequency attached by ClinVar (database versions not stated): ESP Exome Variant Server 0.00015; gnomAD exomes 0.00015 and 0.00016; ExAC 0.00017; 1000 Genomes Project 0.00020; 1000 Genomes Project 30x 0.00031; gnomAD 0.00041 and 0.00044; TOPMed 0.00051.
gnomAD v4.1: 289 of 1,610,888 alleles (0.018%); highest among the groups gnomAD compares: Admixed American, 0.067%; no homozygotes.

Submissions (3):

Blueprint Genetics
Classification: Likely benign. Last evaluated: 2024-11-05. Review status: criteria provided, single submitter. Criteria: ACMG Guidelines, 2015. Collection method: clinical testing. Allele origin: germline.

Labcorp Genetics (formerly Invitae), Labcorp
Classification: Uncertain significance. Last evaluated: 2022-11-01. Review status: criteria provided, single submitter. Criteria: Invitae Variant Classification Sherloc (09022015). Collection method: clinical testing. Allele origin: germline.
Comment: This sequence change replaces serine, which is neutral and polar, with asparagine, which is neutral and polar, at codon 410 of the ATF6 protein (p.Ser410Asn). This variant is present in population databases (rs181923135, gnomAD 0.07%). This variant has not been reported in the literature in individuals affected with ATF6-related conditions. Advanced modeling of protein sequence and biophysical properties (such as structural, functional, and spatial information, amino acid conservation, physicochemical variation, residue mobility, and thermodynamic stability) performed at Invitae indicates that this missense variant is not expected to disrupt ATF6 protein function. In summary, the available evidence is currently insufficient to determine the role of this variant in disease. Therefore, it has been classified as a Variant of Uncertain Significance.

Ambry Genetics
Classification: Likely benign for Inborn genetic diseases. Last evaluated: 2022-08-02. Review status: criteria provided, single submitter. Criteria: Ambry Variant Classification Scheme 2023. Collection method: clinical testing. Allele origin: germline.

NM_007348.4(ATF6):c.1229G>A (p.Ser410Asn)

Gene: ATF6 (activating transcription factor 6; plus strand). Cytogenetic location: 1q23.3.
Variant type: single nucleotide variant.
Coding change: c.1229G>A on transcript NM_007348.4 (MANE Select); coding-DNA position 1229, G replaced by A.
Protein change: p.Ser410Asn; replaces serine 410 with asparagine.
Molecular consequence: missense variant.
Genome position (GRCh38, 1-based): chr1:161,846,490, G>A. VCF-style: chr1-161846490-G-A. GRCh37 (hg19) VCF-style: chr1-161816280-G-A.
Other names: c.1229G>A (NM_007348.3); short protein forms S410N.
Identifiers: ClinVar variation 1007984 (VCV001007984.5), dbSNP rs181923135, ClinGen allele CA1214411.
Genomic context (GRCh38, chr1:161,846,490, plus strand): 5'-TCCTGTTTTTTATTTTCAGCATGTTGGAACAGGATTCCAGGAGAATGAACCCTAGTGTGA[G>A]CCCTGCAAATCAAAGGAGGCACCTTCTAGGATTTTCTGCTAAAGAGGCACAGGACACATC-3'
Protein context (NP_031374.2, residues 400-420): QDSRRMNPSV[Ser410Asn]PANQRRHLLG